The following is an entry in ClinVar:

ClinVar aggregate classification (germline): Likely benign. Review status: criteria provided, multiple submitters, no conflicts (2 of 4 stars). 3 submissions from 3 submitters: Likely benign (2). 1 of the submissions does not count toward it. Last evaluated 2026-01-16.

Conditions:
SLC4A11-related disorder. Also called: SLC4A11-related condition.

Allele frequency attached by ClinVar (database versions not stated): ExAC 0.00001; gnomAD exomes 0.00001; 1000 Genomes Project 30x 0.00016; 1000 Genomes Project 0.00020.
gnomAD v4.1: 20 of 1,613,452 alleles (0.0012%); highest among the groups gnomAD compares: Middle Eastern, 0.033%; no homozygotes.

Submissions (3):

Labcorp Genetics (formerly Invitae), Labcorp
Classification: Likely benign. Last evaluated: 2026-01-16. Review status: criteria provided, single submitter. Criteria: Invitae Variant Classification Sherloc (09022015). Collection method: clinical testing. Allele origin: germline.

Blueprint Genetics
Classification: Likely benign. Last evaluated: 2022-11-11. Review status: criteria provided, single submitter. Criteria: ACMG Guidelines, 2015. Collection method: clinical testing. Allele origin: germline.

PreventionGenetics, part of Exact Sciences
Classification: Likely benign for SLC4A11-related condition. Last evaluated: 2019-03-20. Review status: no assertion criteria provided. Collection method: clinical testing. Allele origin: germline. Not counted in ClinVar's aggregate classification.
Comment: This variant is classified as likely benign based on ACMG/AMP sequence variant interpretation guidelines (Richards et al. 2015 PMID: 25741868, with internal and published modifications).

NM_001174089.2(SLC4A11):c.1489+9G>A

Gene: SLC4A11 (solute carrier family 4 member 11; minus strand). Cytogenetic location: 20p13.
Variant type: single nucleotide variant.
Coding change: c.1489+9G>A on transcript NM_001174089.2 (MANE Select); 9 bases into the intron after coding-DNA position 1489, G replaced by A.
Molecular consequence: intron variant.
Genome position (GRCh38, 1-based): chr20:3,230,178, C>T on the plus strand (G>A on the coding strand, the complement: SLC4A11 is on the minus strand). VCF-style: chr20-3230178-C-T. GRCh37 (hg19) VCF-style: chr20-3210824-C-T.
Other names: c.1375+9G>A (NM_001363745.2); c.1618+9G>A (NM_001174090.2); c.1537+9G>A (NM_032034.4, NM_032034.3).
Identifiers: ClinVar variation 1114510 (VCV001114510.12), dbSNP rs565229955, ClinGen allele CA9741832.